The following is an entry in ClinVar:

ClinVar aggregate classification (germline): Uncertain significance (1 of 4 stars; one submission).

Allele frequency attached by ClinVar (database versions not stated): gnomAD exomes below 0.00001.

Submission:

Labcorp Genetics (formerly Invitae), Labcorp
Classification: Uncertain significance. Last evaluated: 2020-02-18. Review status: criteria provided, single submitter. Criteria: Invitae Variant Classification Sherloc (09022015). Collection method: clinical testing. Allele origin: germline.
Comment: Algorithms developed to predict the effect of missense changes on protein structure and function (SIFT, PolyPhen-2, Align-GVGD) all suggest that this variant is likely to be tolerated, but these predictions have not been confirmed by published functional studies and their clinical significance is uncertain. This variant has not been reported in the literature in individuals with SZT2-related conditions. In summary, the available evidence is currently insufficient to determine the role of this variant in disease. Therefore, it has been classified as a Variant of Uncertain Significance. This sequence change replaces serine with leucine at codon 253 of the SZT2 protein (p.Ser253Leu). The serine residue is weakly conserved and there is a large physicochemical difference between serine and leucine. This variant is not present in population databases (ExAC no frequency).

NM_001365999.1(SZT2):c.758C>T (p.Ser253Leu)

Gene: SZT2 (SZT2 subunit of KICSTOR complex; plus strand). Cytogenetic location: 1p34.2.
Variant type: single nucleotide variant.
Coding change: c.758C>T on transcript NM_001365999.1 (MANE Select); coding-DNA position 758, C replaced by T.
Protein change: p.Ser253Leu; replaces serine 253 with leucine.
Molecular consequence: missense variant.
Genome position (GRCh38, 1-based): chr1:43,416,087, C>T. VCF-style: chr1-43416087-C-T. GRCh37 (hg19) VCF-style: chr1-43881758-C-T.
Other names: c.758C>T, p.Ser253Leu (NM_015284.4); short protein forms S253L.
Identifiers: ClinVar variation 1039413 (VCV001039413.8), dbSNP rs931988978, ClinGen allele CA340002746.